The following is an entry in ClinVar:

ClinVar aggregate classification (germline): Likely benign (1 of 4 stars; one submission).

Allele frequency attached by ClinVar (database versions not stated): TOPMed below 0.00001.
gnomAD v4.1: 2 of 1,586,172 alleles (0.00013%); highest among the groups gnomAD compares: Non-Finnish European, 0.000086%; no homozygotes.

Submission:

CeGaT Center for Human Genetics Tuebingen
Classification: Likely benign. Last evaluated: 2022-07-01. Review status: criteria provided, single submitter. Criteria: CeGaT Center For Human Genetics Tuebingen Variant Classification Criteria Version 2. Collection method: clinical testing. Allele origin: germline. Affected: yes. Observed: 1 variant allele.
Comment: SMARCA2: PM2:Supporting, BP4, BP7

NM_003070.5(SMARCA2):c.993C>T (p.Ile331=)

Gene: SMARCA2 (SWI/SNF related BAF chromatin remodeling complex subunit ATPase 2; plus strand). Cytogenetic location: 9p24.3.
Variant type: single nucleotide variant.
Coding change: c.993C>T on transcript NM_003070.5 (MANE Select); coding-DNA position 993, C replaced by T.
Protein change: p.Ile331=; no amino-acid change (isoleucine 331 retained).
Molecular consequence: synonymous variant.
Genome position (GRCh38, 1-based): chr9:2,047,431, C>T. VCF-style: chr9-2047431-C-T. GRCh37 (hg19) VCF-style: chr9-2047431-C-T.
Other names: c.993C>T, p.Ile331= (NM_001289396.2, NM_001289397.2, NM_139045.4).
Identifiers: ClinVar variation 1701560 (VCV001701560.30), dbSNP rs1819914294, ClinGen allele CA463708048.